The following is an entry in ClinVar:

ClinVar aggregate classification (germline): Likely pathogenic (1 of 4 stars; one submission).

Conditions:
Nonsyndromic genetic hearing loss. Also called: Nonsyndromic hearing loss and deafness; Non-syndromic genetic deafness; Nonsyndromic genetic deafness. Identifiers: Orphanet 87884, MedGen C5680182, MONDO:0019497.

gnomAD v4.1: 1 of 1,613,832 alleles (0.000062%); highest among the groups gnomAD compares: Non-Finnish European, 0.000085%; no homozygotes.

Submission:

Women's Health and Genetics/Laboratory Corporation of America, LabCorp
Classification: Likely pathogenic for Nonsyndromic genetic hearing loss. Last evaluated: 2025-03-07. Review status: criteria provided, single submitter. Criteria: LabCorp Variant Classification Summary - May 2015. Collection method: clinical testing. Allele origin: germline.
Comment: Variant summary: TMC1 c.776A>G (p.Tyr259Cys) results in a non-conservative amino acid change in the encoded protein sequence. Five of five in-silico tools predict a damaging effect of the variant on protein function. The variant was absent in 251340 control chromosomes. c.776A>G has been reported in the literature in multiple homozygous individuals affected with Nonsyndromic Hearing Loss (e.g. Kalay_2005). These data indicate that the variant is likely to be associated with disease. To our knowledge, no experimental evidence demonstrating an impact on protein function has been reported. The following publication have been ascertained in the context of this evaluation (PMID: 16287143). No submitters have cited clinical-significance assessments for this variant to ClinVar. Based on the evidence outlined above, the variant was classified as likely pathogenic.

Literature cited by the submitters: PubMed 16287143.

NM_138691.3(TMC1):c.776A>G (p.Tyr259Cys)

Gene: TMC1 (transmembrane channel like 1; plus strand). Cytogenetic location: 9q21.13.
Variant type: single nucleotide variant.
Coding change: c.776A>G on transcript NM_138691.3 (MANE Select); coding-DNA position 776, A replaced by G.
Protein change: p.Tyr259Cys; replaces tyrosine 259 with cysteine.
Molecular consequence: missense variant.
Genome position (GRCh38, 1-based): chr9:72,772,447, A>G. VCF-style: chr9-72772447-A-G. GRCh37 (hg19) VCF-style: chr9-75387363-A-G.
Other names: short protein forms Y259C.
Identifiers: ClinVar variation 3895770 (VCV003895770.1).